The following is an entry in ClinVar:

NM_000179.3(MSH6):c.1411G>T (p.Asp471Tyr)

Gene: MSH6 (mutS homolog 6; plus strand). Cytogenetic location: 2p16.3.
Variant type: single nucleotide variant.
Coding change: c.1411G>T on transcript NM_000179.3 (MANE Select); coding-DNA position 1411, G replaced by T.
Protein change: p.Asp471Tyr; replaces aspartic acid 471 with tyrosine.
Molecular consequence: missense variant. On other transcripts: non-coding transcript variant (4), intron variant (1).
Genome position (GRCh38, 1-based): chr2:47,799,394, G>T. VCF-style: chr2-47799394-G-T. GRCh37 (hg19) VCF-style: chr2-48026533-G-T.
Other names: c.1021G>T, p.Asp341Tyr (NM_001281492.2); c.505G>T, p.Asp169Tyr (NM_001281493.2, NM_001281494.2, NM_001406823.1 and 6 more transcripts); c.1507G>T, p.Asp503Tyr (NM_001406795.1, NM_001406802.1); c.1411G>T, p.Asp471Tyr (NM_001406796.1, NM_001406798.1, NM_001406800.1 and 4 more transcripts); c.1114G>T, p.Asp372Tyr (NM_001406797.1, NM_001406801.1, NM_001406805.1 and 10 more transcripts); c.886G>T, p.Asp296Tyr (NM_001406799.1, NM_001406806.1, NM_001406807.1); c.1333G>T, p.Asp445Tyr (NM_001406804.1); c.1243G>T, p.Asp415Tyr (NM_001406826.1); and 2 more; short protein forms D169Y, D296Y, D372Y, D415Y, D473Y, D341Y, D445Y, D503Y.
Identifiers: ClinVar variation 2833393 (VCV002833393.3), dbSNP rs2104342133, ClinGen allele CA346745287.
Genomic context (GRCh38, chr2:47,799,394, plus strand): 5'-TTCATGAAAGGCAACTGGGCCCATTCTGGCTTTCCTGAAATTGCATTTGGCCGTTATTCA[G>T]ATTCCCTGGTGCAGAAGGGCTATAAAGTAGCACGAGTGGAACAGACTGAGACTCCAGAAA-3'
Protein context (NP_000170.1, residues 461-481): FPEIAFGRYS[Asp471Tyr]SLVQKGYKVA

ClinVar aggregate classification (germline): Uncertain significance (1 of 4 stars; one submission).

Conditions:
Hereditary nonpolyposis colorectal neoplasms. Identifiers: MedGen C0009405, MeSH D003123.

Submission:

Labcorp Genetics (formerly Invitae), Labcorp
Classification: Uncertain significance for Hereditary nonpolyposis colorectal neoplasms. Last evaluated: 2024-06-03. Review status: criteria provided, single submitter. Criteria: Invitae Variant Classification Sherloc (09022015). Collection method: clinical testing. Allele origin: germline.
Comment: This sequence change replaces aspartic acid, which is acidic and polar, with tyrosine, which is neutral and polar, at codon 471 of the MSH6 protein (p.Asp471Tyr). This variant is not present in population databases (gnomAD no frequency). This variant has not been reported in the literature in individuals affected with MSH6-related conditions. Advanced modeling of protein sequence and biophysical properties (such as structural, functional, and spatial information, amino acid conservation, physicochemical variation, residue mobility, and thermodynamic stability) performed at Invitae indicates that this missense variant is not expected to disrupt MSH6 protein function with a negative predictive value of 95%. In summary, the available evidence is currently insufficient to determine the role of this variant in disease. Therefore, it has been classified as a Variant of Uncertain Significance.